The following is an entry in ClinVar:

NM_002880.4(RAF1):c.1853G>A (p.Arg618Gln)

Gene: RAF1 (Raf-1 proto-oncogene, serine/threonine kinase; minus strand). Cytogenetic location: 3p25.2.
Variant type: single nucleotide variant.
Coding change: c.1853G>A on transcript NM_002880.4 (MANE Select); coding-DNA position 1853, G replaced by A.
Protein change: p.Arg618Gln; replaces arginine 618 with glutamine.
Molecular consequence: missense variant. On other transcripts: non-coding transcript variant (3).
Genome position (GRCh38, 1-based): chr3:12,584,608, C>T on the plus strand (G>A on the coding strand, the complement: RAF1 is on the minus strand). VCF-style: chr3-12584608-C-T. GRCh37 (hg19) VCF-style: chr3-12626107-C-T.
Other names: c.1913G>A, p.Arg638Gln (NM_001354689.3); c.1853G>A, p.Arg618Gln (NM_001354690.3); c.1610G>A, p.Arg537Gln (NM_001354691.3, NM_001354692.3); c.1754G>A, p.Arg585Gln (NM_001354693.3); c.1670G>A, p.Arg557Gln (NM_001354694.3); c.1511G>A, p.Arg504Gln (NM_001354695.3); short protein forms R557Q, R585Q, R618Q, R537Q, R504Q, R638Q.
Identifiers: ClinVar variation 1781374 (VCV001781374.2), dbSNP rs2058259564, ClinGen allele CA351495971.

ClinVar aggregate classification (germline): Uncertain significance (1 of 4 stars; one submission).

Conditions:
Cardiovascular phenotype. Identifiers: MedGen CN230736.

Allele frequency attached by ClinVar (database versions not stated): gnomAD exomes below 0.00001.

Submission:

Ambry Genetics
Classification: Uncertain significance for Cardiovascular phenotype. Last evaluated: 2021-09-09. Review status: criteria provided, single submitter. Criteria: Ambry Variant Classification Scheme 2023. Collection method: clinical testing. Allele origin: germline.
Comment: The p.R618Q variant (also known as c.1853G>A), located in coding exon 16 of the RAF1 gene, results from a G to A substitution at nucleotide position 1853. The arginine at codon 618 is replaced by glutamine, an amino acid with highly similar properties. This amino acid position is highly conserved in available vertebrate species. In addition, the in silico prediction for this alteration is inconclusive. Since supporting evidence is limited at this time, the clinical significance of this alteration remains unclear.